The following is an entry in ClinVar:

ClinVar aggregate classification (germline): Likely benign. Review status: criteria provided, multiple submitters, no conflicts (2 of 4 stars). 4 submissions from 4 submitters: Likely benign (4). Last evaluated 2025-09-15.

Allele frequency attached by ClinVar (database versions not stated): gnomAD exomes 0.00005 and 0.00008; gnomAD 0.00006 and 0.00007; TOPMed 0.00008; ExAC 0.00011; 1000 Genomes Project 30x 0.00016; 1000 Genomes Project 0.00020.
gnomAD v4.1: 79 of 1,602,876 alleles (0.0049%); highest among the groups gnomAD compares: African/African-American, 0.017%; no homozygotes.

Submissions (4):

Labcorp Genetics (formerly Invitae), Labcorp
Classification: Likely benign. Last evaluated: 2025-09-15. Review status: criteria provided, single submitter. Criteria: Invitae Variant Classification Sherloc (09022015). Collection method: clinical testing. Allele origin: germline.

Blueprint Genetics
Classification: Likely benign. Last evaluated: 2024-11-25. Review status: criteria provided, single submitter. Criteria: ACMG Guidelines, 2015. Collection method: clinical testing. Allele origin: germline.

CeGaT Center for Human Genetics Tuebingen
Classification: Likely benign. Last evaluated: 2022-12-01. Review status: criteria provided, single submitter. Criteria: CeGaT Center For Human Genetics Tuebingen Variant Classification Criteria Version 2. Collection method: clinical testing. Allele origin: germline. Affected: yes. Observed: 1 variant allele.
Comment: KIZ: BP4, BP7

Breakthrough Genomics
Classification: Likely benign. Review status: criteria provided, single submitter. Criteria: ACMG Guidelines, 2015. Collection method: not provided. Allele origin: germline. Inheritance: Autosomal recessive inheritance. Affected: yes.

NM_018474.6(KIZ):c.1902C>T (p.Pro634=)

Gene: KIZ (kizuna centrosomal protein; plus strand). Cytogenetic location: 20p11.23.
Variant type: single nucleotide variant.
Coding change: c.1902C>T on transcript NM_018474.6 (MANE Select); coding-DNA position 1902, C replaced by T.
Protein change: p.Pro634=; no amino-acid change (proline 634 retained).
Molecular consequence: synonymous variant.
Genome position (GRCh38, 1-based): chr20:21,244,266, C>T. VCF-style: chr20-21244266-C-T. GRCh37 (hg19) VCF-style: chr20-21224904-C-T.
Other names: c.1593C>T, p.Pro531= (NM_001163022.3); c.1503C>T, p.Pro501= (NM_001163023.3); c.1755C>T, p.Pro585= (NM_001276389.2); c.1848C>T, p.Pro616= (NM_001352434.2); c.1539C>T, p.Pro513= (NM_001352435.2); c.1560C>T, p.Pro520= (NM_001352436.2).
Identifiers: ClinVar variation 1080262 (VCV001080262.34), dbSNP rs140266352, ClinGen allele CA9785020.